The following is an entry in ClinVar:

ClinVar aggregate classification (germline): Uncertain significance (1 of 4 stars; one submission).

Allele frequency attached by ClinVar (database versions not stated): gnomAD exomes 0.00001 and 0.00004; ExAC 0.00007; gnomAD 0.00011 and 0.00013; ESP Exome Variant Server 0.00015; TOPMed 0.00018; 1000 Genomes Project 30x 0.00062; 1000 Genomes Project 0.00080.
gnomAD v4.1: 45 of 1,614,114 alleles (0.0028%); highest among the groups gnomAD compares: Admixed American, 0.043%; no homozygotes.

Submission:

Labcorp Genetics (formerly Invitae), Labcorp
Classification: Uncertain significance. Last evaluated: 2025-03-08. Review status: criteria provided, single submitter. Criteria: Invitae Variant Classification Sherloc (09022015). Collection method: clinical testing. Allele origin: germline.
Comment: This sequence change replaces leucine, which is neutral and non-polar, with methionine, which is neutral and non-polar, at codon 278 of the TSPAN12 protein (p.Leu278Met). This variant is present in population databases (rs191668687, gnomAD 0.01%), including at least one homozygous and/or hemizygous individual. This variant has not been reported in the literature in individuals affected with TSPAN12-related conditions. ClinVar contains an entry for this variant (Variation ID: 836016). An algorithm developed to predict the effect of missense changes on protein structure and function (PolyPhen-2) suggests that this variant is likely to be disruptive. In summary, the available evidence is currently insufficient to determine the role of this variant in disease. Therefore, it has been classified as a Variant of Uncertain Significance.

NM_012338.4(TSPAN12):c.832C>A (p.Leu278Met)

Gene: TSPAN12 (tetraspanin 12; minus strand). Cytogenetic location: 7q31.31.
Variant type: single nucleotide variant.
Coding change: c.832C>A on transcript NM_012338.4 (MANE Select); coding-DNA position 832, C replaced by A.
Protein change: p.Leu278Met; replaces leucine 278 with methionine.
Molecular consequence: missense variant.
Genome position (GRCh38, 1-based): chr7:120,788,678, G>T on the plus strand (C>A on the coding strand, the complement: TSPAN12 is on the minus strand). VCF-style: chr7-120788678-G-T. GRCh37 (hg19) VCF-style: chr7-120428732-G-T.
Other names: short protein forms L278M.
Identifiers: ClinVar variation 836016 (VCV000836016.8), dbSNP rs191668687, ClinGen allele CA4453794.